The following is an entry in ClinVar:

NM_013280.5(FLRT1):c.1792G>A (p.Asp598Asn)

Genes: MACROD1 (mono-ADP ribosylhydrolase 1; minus strand), FLRT1 (fibronectin leucine rich transmembrane protein 1; plus strand). Cytogenetic location: 11q13.1.
Variant type: single nucleotide variant.
Coding change: c.1792G>A on transcript NM_013280.5 (MANE Select); coding-DNA position 1792, G replaced by A.
Protein change: p.Asp598Asn; replaces aspartic acid 598 with asparagine.
Molecular consequence: missense variant. On other transcripts: intron variant (2).
Genome position (GRCh38, 1-based): chr11:64,118,059, G>A. VCF-style: chr11-64118059-G-A. GRCh37 (hg19) VCF-style: chr11-63885531-G-A.
Other names: c.1792G>A, p.Asp598Asn (NM_001384466.1); c.1708G>A, p.Asp570Asn (NM_001423967.1); c.517+33180C>T (NM_001411019.1, NM_014067.4); short protein forms D598N, D570N.
Identifiers: ClinVar variation 840095 (VCV000840095.13), dbSNP rs138860076, ClinGen allele CA6067791.
Genomic context (GRCh38, chr11:64,118,059, plus strand): 5'-CACCAGGCTGGCGAGCTGCTGACCCGGGAGAGGGCCTACAACCGGGGCAGCAGGAAAAAG[G>A]ATGACTATATGGAGTCAGGGACCAAGAAGGATAACTCCATCCTGGAAATCCGCGGCCCTG-3'
Protein context (NP_037412.2, residues 588-608): RAYNRGSRKK[Asp598Asn]DYMESGTKKD

ClinVar aggregate classification (germline): Conflicting classifications of pathogenicity. Review status: criteria provided, conflicting classifications (1 of 4 stars). 3 submissions from 3 submitters: Uncertain significance (2); Likely benign (1). Last evaluated 2025-10-10.

Conditions:
FLRT1-related disorder. Also called: FLRT1-related condition.
Peripheral neuropathy. Also called: Neuropathy. Identifiers: MedGen C0031117, MONDO:0005244, HP:0009830.

Allele frequency attached by ClinVar (database versions not stated): 1000 Genomes Project 30x 0.00016; ExAC 0.00018; 1000 Genomes Project 0.00020; gnomAD 0.00023 and 0.00025; gnomAD exomes 0.00024; TOPMed 0.00024; ESP Exome Variant Server 0.00038.
gnomAD v4.1: 852 of 1,613,588 alleles (0.053%); highest among the groups gnomAD compares: Non-Finnish European, 0.069%; 1 homozygote.

Submissions (3):

PreventionGenetics, part of Exact Sciences
Classification: Likely benign for FLRT1-related condition. Last evaluated: 2025-10-10. Review status: criteria provided, single submitter. Criteria: ACMG Guidelines, 2015. Collection method: clinical testing. Allele origin: germline.
Comment: This variant is classified as likely benign based on ACMG/AMP sequence variant interpretation guidelines (Richards et al. 2015 PMID: 25741868, with internal and published modifications).

Ambry Genetics
Classification: Uncertain significance. Last evaluated: 2024-04-29. Review status: criteria provided, single submitter. Criteria: Ambry Variant Classification Scheme 2023. Collection method: clinical testing. Allele origin: germline.

Labcorp Genetics (formerly Invitae), Labcorp
Classification: Uncertain significance for Peripheral neuropathy. Last evaluated: 2021-02-15. Review status: criteria provided, single submitter. Criteria: Invitae Variant Classification Sherloc (09022015). Collection method: clinical testing. Allele origin: germline.
Comment: In summary, the available evidence is currently insufficient to determine the role of this variant in disease. Therefore, it has been classified as a Variant of Uncertain Significance. Algorithms developed to predict the effect of missense changes on protein structure and function are either unavailable or do not agree on the potential impact of this missense change (SIFT: "Deleterious"; PolyPhen-2: "Probably Damaging"; Align-GVGD: "Class C15"). This variant has not been reported in the literature in individuals with FLRT1-related conditions. This variant is present in population databases (rs138860076, ExAC 0.03%). This sequence change replaces aspartic acid with asparagine at codon 598 of the FLRT1 protein (p.Asp598Asn). The aspartic acid residue is highly conserved and there is a small physicochemical difference between aspartic acid and asparagine.